The following is an entry in ClinVar:

NM_000027.4(AGA):c.127+1G>A

Gene: AGA (aspartylglucosaminidase; minus strand). Cytogenetic location: 4q34.3.
Variant type: single nucleotide variant.
Coding change: c.127+1G>A on transcript NM_000027.4 (MANE Select); the canonical splice donor site of the intron after coding-DNA position 127, G replaced by A.
Molecular consequence: splice donor variant.
Genome position (GRCh38, 1-based): chr4:177,442,248, C>T on the plus strand (G>A on the coding strand, the complement: AGA is on the minus strand). VCF-style: chr4-177442248-C-T. GRCh37 (hg19) VCF-style: chr4-178363402-C-T.
Other names: c.127+1G>A (NM_001171988.2).
Identifiers: ClinVar variation 370533 (VCV000370533.15), dbSNP rs1057516565, ClinGen allele CA16040935.

ClinVar aggregate classification (germline): Likely pathogenic. Review status: criteria provided, multiple submitters, no conflicts (2 of 4 stars). 3 submissions from 3 submitters: Likely pathogenic (2). 1 of the submissions does not count toward it. Last evaluated 2024-03-28.

Conditions:
Aspartylglucosaminuria (AGU). Also called: GLYCOASPARAGINASE; GLYCOSYLASPARAGINASE DEFICIENCY; Aspartylglucos-aminuria; Aspartylglucos-amidase (AGA) deficiency; AGA DEFICIENCY. Identifiers: Orphanet 93, MedGen C0268225, MONDO:0008830, OMIM 208400, HP:0012068.

Allele frequency attached by ClinVar (database versions not stated): gnomAD exomes below 0.00001.
gnomAD v4.1: 2 of 1,613,806 alleles (0.00012%); highest among the groups gnomAD compares: South Asian, 0.0011%; no homozygotes.

Submissions (3):

Fulgent Genetics
Classification: Likely pathogenic for Aspartylglucosaminuria. Last evaluated: 2024-03-28. Review status: criteria provided, single submitter. Criteria: ACMG Guidelines, 2015. Collection method: clinical testing. Allele origin: germline.

Labcorp Genetics (formerly Invitae), Labcorp
Classification: Likely pathogenic for Aspartylglucosaminuria. Last evaluated: 2022-01-23. Review status: criteria provided, single submitter. Criteria: Invitae Variant Classification Sherloc (09022015). Collection method: clinical testing. Allele origin: germline.
Comment: In summary, the currently available evidence indicates that the variant is pathogenic, but additional data are needed to prove that conclusively. Therefore, this variant has been classified as Likely Pathogenic. Algorithms developed to predict the effect of sequence changes on RNA splicing suggest that this variant may disrupt the consensus splice site. ClinVar contains an entry for this variant (Variation ID: 370533). This variant has not been reported in the literature in individuals affected with AGA-related conditions. This variant is not present in population databases (gnomAD no frequency). This sequence change affects a donor splice site in intron 1 of the AGA gene. It is expected to disrupt RNA splicing. Variants that disrupt the donor or acceptor splice site typically lead to a loss of protein function (PMID: 16199547), and loss-of-function variants in AGA are known to be pathogenic (PMID: 7627186, 11309371).

Counsyl
Classification: Likely pathogenic for Aspartylglucosaminuria. Last evaluated: 2016-02-25. Review status: no assertion criteria provided. Collection method: clinical testing. Allele origin: unknown. Not counted in ClinVar's aggregate classification.

Literature cited by the submitters: PubMed 16199547 (cited by Labcorp Genetics (formerly Invitae), Labcorp); PubMed 7627186 (cited by Labcorp Genetics (formerly Invitae), Labcorp); PubMed 11309371 (cited by Labcorp Genetics (formerly Invitae), Labcorp).